The following is an entry in ClinVar:

NM_001386140.1(MTTP):c.794del (p.Pro265fs)

Gene: MTTP (microsomal triglyceride transfer protein; plus strand). Cytogenetic location: 4q23.
Variant type: Deletion.
Coding change: c.794del on transcript NM_001386140.1 (MANE Select); coding-DNA position 794, one base deleted (C; older notation c.794delC).
Protein change: p.Pro265fs; shifts the reading frame from proline 265.
Molecular consequence: frameshift variant.
Genome position (GRCh38, 1-based): chr4:99,594,768, C deleted; the last of 3 consecutive C bases (chr4:99,594,766-99,594,768); deleting any one gives the same sequence. VCF-style (leftmost placement, unchanged base first): chr4-99594765-GC-G. GRCh37 (hg19) VCF-style: chr4-100515922-GC-G.
Other names: c.794del, p.Pro265fs (NM_000253.4); c.545del, p.Pro182fs (NM_001300785.2); short protein forms P182fs, P265fs.
Identifiers: ClinVar variation 5011713 (VCV005011713.1).

ClinVar aggregate classification (germline): Pathogenic (1 of 4 stars; one submission).

Conditions:
Abetalipoproteinaemia (ABL). Also called: MTP DEFICIENCY; Abetalipoproteinemia; Abetalipoproteinemia neuropathy; Apolipoprotein B deficiency; Congenital betalipoprotein deficiency syndrome. Identifiers: Orphanet 14, MedGen C0000744, MONDO:0008692, OMIM 200100, HP:0008181.

Submission:

Myriad Genetics, Inc.
Classification: Pathogenic for Abetalipoproteinaemia. Last evaluated: 2023-09-21. Review status: criteria provided, single submitter. Criteria: Myriad Autosomal Dominant, Autosomal Recessive and X-Linked Classification Criteria (2023). Collection method: clinical testing. Allele origin: unknown.
Comment: NM_000253.2(MTTP):c.794delC(P265Qfs*3) is expected to be pathogenic in the context of abetalipoproteinemia. This variant is predicted to lead to an abnormal or absent protein product due to the creation of a premature termination codon in MTTP, a gene where loss-of-function variants are known to be pathogenic. Please note: this variant was assessed in the context of healthy population screening.